The following is an entry in ClinVar:

NM_016222.4(DDX41):c.937G>A (p.Gly313Ser)

Gene: DDX41 (DEAD-box helicase 41; minus strand). Cytogenetic location: 5q35.3.
Variant type: single nucleotide variant.
Coding change: c.937G>A on transcript NM_016222.4 (MANE Select); coding-DNA position 937, G replaced by A.
Protein change: p.Gly313Ser; replaces glycine 313 with serine.
Molecular consequence: missense variant.
Genome position (GRCh38, 1-based): chr5:177,513,846, C>T on the plus strand (G>A on the coding strand, the complement: DDX41 is on the minus strand). VCF-style: chr5-177513846-C-T. GRCh37 (hg19) VCF-style: chr5-176940847-C-T.
Other names: c.559G>A, p.Gly187Ser (NM_001321732.2, NM_001321830.2); short protein forms G187S, G313S.
Identifiers: ClinVar variation 2504311 (VCV002504311.5), dbSNP rs780667117, ClinGen allele CA3584941.

ClinVar aggregate classification (germline): Uncertain significance. Review status: criteria provided, multiple submitters, no conflicts (2 of 4 stars). 4 submissions from 4 submitters: Uncertain significance (4). Last evaluated 2025-09-25.

Conditions:
DDX41-related hematologic malignancy predisposition syndrome. Also called: DDX41-Associated Familial Myelodysplastic Syndrome and Acute Myeloid Leukemia; Myeloproliferative/lymphoproliferative neoplasms, familial (multiple types), susceptibility to. Identifiers: Orphanet 488647, MedGen C4225174, MONDO:0014809, OMIM 616871.
Inborn genetic diseases. Identifiers: MedGen C0950123, MeSH D030342.

Allele frequency attached by ClinVar (database versions not stated): TOPMed 0.00001; gnomAD 0.00002.

Submissions (4):

Labcorp Genetics (formerly Invitae), Labcorp
Classification: Uncertain significance. Last evaluated: 2025-09-25. Review status: criteria provided, single submitter. Criteria: Invitae Variant Classification Sherloc (09022015). Collection method: clinical testing. Allele origin: germline.
Comment: This sequence change replaces glycine, which is neutral and non-polar, with serine, which is neutral and polar, at codon 313 of the DDX41 protein (p.Gly313Ser). This variant is present in population databases (rs780667117, gnomAD 0.004%). This missense change has been observed in individual(s) with acute myeloid leukemia and/or myelodysplastic syndrome (PMID: 37506341). ClinVar contains an entry for this variant (Variation ID: 2504311). An algorithm developed to predict the effect of missense changes on protein structure and function (PolyPhen-2) suggests that this variant is likely to be disruptive. Algorithms developed to predict the effect of sequence changes on RNA splicing suggest that this variant may create or strengthen a splice site. In summary, the available evidence is currently insufficient to determine the role of this variant in disease. Therefore, it has been classified as a Variant of Uncertain Significance.

Ambry Genetics
Classification: Uncertain significance for Inborn genetic diseases. Last evaluated: 2025-05-20. Review status: criteria provided, single submitter. Criteria: Ambry Variant Classification Scheme 2023. Collection method: clinical testing. Allele origin: germline.
Comment: The p.G313S variant (also known as c.937G>A), located in coding exon 10 of the DDX41 gene, results from a G to A substitution at nucleotide position 937. The glycine at codon 313 is replaced by serine, an amino acid with similar properties. This amino acid position is highly conserved in available vertebrate species. In silico splice site analysis predicts that this alteration will result in the creation or strengthening of a novel splice acceptor site; however, direct evidence is insufficient at this time (Ambry internal data). In addition, the in silico prediction for this alteration is inconclusive. Based on the available evidence, the clinical significance of this variant remains unclear.

Baylor Genetics
Classification: Uncertain significance for DDX41-related hematologic malignancy predisposition syndrome. Last evaluated: 2024-03-01. Review status: criteria provided, single submitter. Criteria: ACMG Guidelines, 2015. Collection method: clinical testing. Allele origin: unknown.

GeneDx
Classification: Uncertain significance. Last evaluated: 2022-12-02. Review status: criteria provided, single submitter. Criteria: GeneDx Variant Classification Process June 2021. Collection method: clinical testing. Allele origin: germline. Affected: yes.
Comment: Not observed at significant frequency in large population cohorts (gnomAD); In silico analysis supports that this missense variant has a deleterious effect on protein structure/function; In silico analysis supports that this variant has a deleterious effect on splicing; Has not been previously published as pathogenic or benign to our knowledge; This variant is associated with the following publications: (PMID: 27721487)

Literature cited by the submitters: PubMed 37506341 (cited by Labcorp Genetics (formerly Invitae), Labcorp).